The following is an entry in ClinVar:

ClinVar aggregate classification (germline): Likely benign (1 of 4 stars; one submission).

gnomAD v4.1: 4 of 1,230,274 alleles (0.00033%); highest among the groups gnomAD compares: Admixed American, 0.0042%; no homozygotes.

Submission:

CeGaT Center for Human Genetics Tuebingen
Classification: Likely benign. Last evaluated: 2026-08-01. Review status: criteria provided, single submitter. Criteria: CeGaT Center For Human Genetics Tuebingen Variant Classification Criteria Version 2. Collection method: clinical testing. Allele origin: germline. Affected: yes. Observed: 1 variant allele.
Comment: FBRSL1: BP4, BP7

NM_001382741.1(FBRSL1):c.1617G>A (p.Pro539=)

Gene: FBRSL1 (fibrosin like 1; plus strand). Cytogenetic location: 12q24.33.
Variant type: single nucleotide variant.
Coding change: c.1617G>A on transcript NM_001382741.1 (MANE Plus Clinical); coding-DNA position 1617, G replaced by A.
Protein change: p.Pro539=; no amino-acid change (proline 539 retained).
Molecular consequence: synonymous variant. On other transcripts: non-coding transcript variant (1), intron variant (5).
Genome position (GRCh38, 1-based): chr12:132,510,293, G>A. VCF-style: chr12-132510293-G-A. GRCh37 (hg19) VCF-style: chr12-133086879-G-A.
Other names: c.1320G>A, p.Pro440= (NM_001382742.1); c.489+1943G>A (NM_001367871.1, NM_001382739.1, NM_001142641.2 and 2 more transcripts).
Identifiers: ClinVar variation 5039794 (VCV005039794.1).